The following is an entry in ClinVar:

ClinVar aggregate classification (germline): Pathogenic (1 of 4 stars; one submission).

Conditions:
WHIM syndrome 1 (WHIMS). Identifiers: Orphanet 51636, MedGen C5542296, MONDO:8000006, OMIM 193670.

Submission:

Research Department, X4 Pharmaceuticals (Austria) GmbH
Classification: Pathogenic for WHIM syndrome 1. Last evaluated: 2025-06-03. Review status: criteria provided, single submitter. Criteria: ACMG Guidelines, 2015. Collection method: curation, in vitro. Allele origin: germline, not applicable. Inheritance: Autosomal dominant inheritance. Affected: yes. Observed: 1 variant allele, 1 heterozygote. Functional consequence: gain_of_function_variant.
Comment: The p.Ser341Profs*25 frameshift has been observed in an individual with with clinical features of WHIM syndrome (PMID: 19321197). Experimental studies have shown that this frameshift affects CXCR4 function (PMID: 36089616, PMID: 19321197). This variant is located in a region of the CXCR4 protein where a significant number of CXCR4 nonsense and frameshift mutations have been reported in association with autosomal dominant WHIM syndrome (PMID: 31313072, 32784523, 35947323, 39040098). This variant is not present in population databases (gnomAD no frequency).

Literature cited by the submitters: PubMed 36089616; PubMed 19321197.

NM_003467.3(CXCR4):c.1021del (p.Ser341fs)

Gene: CXCR4 (C-X-C motif chemokine receptor 4; minus strand). Cytogenetic location: 2q22.1.
Variant type: Deletion.
Coding change: c.1021del on transcript NM_003467.3 (MANE Select); coding-DNA position 1021, one base deleted (T; older notation c.1021delT).
Protein change: p.Ser341fs; shifts the reading frame from serine 341.
Molecular consequence: frameshift variant.
Genome position (GRCh38, 1-based): chr2:136,114,907, A deleted on the plus strand (T on the coding strand, the reverse complement: CXCR4 is on the minus strand); the first of 3 consecutive A bases (chr2:136,114,907-136,114,909); deleting any one gives the same sequence. VCF-style (leftmost placement, unchanged base first): chr2-136114906-GA-G. GRCh37 (hg19) VCF-style: chr2-136872476-GA-G.
Other names: c.1033del, p.Ser345fs (NM_001008540.2); c.1234del, p.Ser412fs (NM_001348056.2); c.1120del, p.Ser374fs (NM_001348059.2); c.976del, p.Ser326fs (NM_001348060.2); short protein forms S326fs, S341fs, S345fs, S374fs, S412fs.
Identifiers: ClinVar variation 3902811 (VCV003902811.2).